The following is an entry in ClinVar:

ClinVar aggregate classification (germline): Uncertain significance (1 of 4 stars; one submission).

Conditions:
Charcot-Marie-Tooth disease axonal type 2O. Also called: CHARCOT-MARIE-TOOTH NEUROPATHY, AXONAL, TYPE 2O; CHARCOT-MARIE-TOOTH DISEASE, AXONAL, AUTOSOMAL DOMINANT, TYPE 2O; Charcot-Marie-Tooth Neuropathy Type 2O; Charcot-Marie-Tooth disease, axonal, type 20. Identifiers: Orphanet 284232, MedGen C3280220, MONDO:0013644, OMIM 614228.

Submission:

Labcorp Genetics (formerly Invitae), Labcorp
Classification: Uncertain significance for Charcot-Marie-Tooth disease axonal type 2O. Last evaluated: 2023-03-29. Review status: criteria provided, single submitter. Criteria: Invitae Variant Classification Sherloc (09022015). Collection method: clinical testing. Allele origin: germline.
Comment: In summary, the available evidence is currently insufficient to determine the role of this variant in disease. Therefore, it has been classified as a Variant of Uncertain Significance. Advanced modeling of protein sequence and biophysical properties (such as structural, functional, and spatial information, amino acid conservation, physicochemical variation, residue mobility, and thermodynamic stability) has been performed at Invitae for this missense variant, however the output from this modeling did not meet the statistical confidence thresholds required to predict the impact of this variant on DYNC1H1 protein function. This variant has not been reported in the literature in individuals affected with DYNC1H1-related conditions. This variant is not present in population databases (gnomAD no frequency). This sequence change replaces proline, which is neutral and non-polar, with alanine, which is neutral and non-polar, at codon 997 of the DYNC1H1 protein (p.Pro997Ala).

NM_001376.5(DYNC1H1):c.2989C>G (p.Pro997Ala)

Gene: DYNC1H1 (dynein cytoplasmic 1 heavy chain 1; plus strand). Cytogenetic location: 14q32.31.
Variant type: single nucleotide variant.
Coding change: c.2989C>G on transcript NM_001376.5 (MANE Select); coding-DNA position 2989, C replaced by G.
Protein change: p.Pro997Ala; replaces proline 997 with alanine.
Molecular consequence: missense variant.
Genome position (GRCh38, 1-based): chr14:101,991,647, C>G. VCF-style: chr14-101991647-C-G. GRCh37 (hg19) VCF-style: chr14-102457984-C-G.
Other names: short protein forms P997A.
Identifiers: ClinVar variation 2789024 (VCV002789024.3), dbSNP rs2503708471, ClinGen allele CA391030700.